The following is an entry in ClinVar:

ClinVar aggregate classification (germline): Uncertain significance (1 of 4 stars; one submission).

Allele frequency attached by ClinVar (database versions not stated): ExAC 0.00001.

Submission:

Athena Diagnostics
Classification: Uncertain significance. Last evaluated: 2023-01-16. Review status: criteria provided, single submitter. Criteria: Athena Diagnostics Criteria. Collection method: clinical testing. Allele origin: unknown.
Comment: Available data are insufficient to determine the clinical significance of the variant at this time. The frequency of this variant in the general population is uninformative in assessment of its pathogenicity. Computational tools predict that this variant is damaging.

NM_182961.4(SYNE1):c.176A>G (p.Asp59Gly)

Gene: SYNE1 (spectrin repeat containing nuclear envelope protein 1; minus strand). Cytogenetic location: 6q25.2.
Variant type: single nucleotide variant.
Coding change: c.176A>G on transcript NM_182961.4 (MANE Select); coding-DNA position 176, A replaced by G.
Protein change: p.Asp59Gly; replaces aspartic acid 59 with glycine.
Molecular consequence: missense variant.
Genome position (GRCh38, 1-based): chr6:152,526,129, T>C on the plus strand (A>G on the coding strand, the complement: SYNE1 is on the minus strand). VCF-style: chr6-152526129-T-C. GRCh37 (hg19) VCF-style: chr6-152847264-T-C.
Other names: c.176A>G, p.Asp59Gly (NM_033071.5); short protein forms D59G.
Identifiers: ClinVar variation 2684038 (VCV002684038.1), dbSNP rs750193363, ClinGen allele CA4059850.